The following is an entry in ClinVar:

NM_004304.5(ALK):c.4674G>C (p.Glu1558Asp)

Gene: ALK (ALK receptor tyrosine kinase; minus strand). Cytogenetic location: 2p23.2.
Variant type: single nucleotide variant.
Coding change: c.4674G>C on transcript NM_004304.5 (MANE Select); coding-DNA position 4674, G replaced by C.
Protein change: p.Glu1558Asp; replaces glutamic acid 1558 with aspartic acid.
Molecular consequence: missense variant.
Genome position (GRCh38, 1-based): chr2:29,193,413, C>G on the plus strand (G>C on the coding strand, the complement: ALK is on the minus strand). VCF-style: chr2-29193413-C-G. GRCh37 (hg19) VCF-style: chr2-29416279-C-G.
Other names: c.1470G>C, p.Glu490Asp (NM_001353765.2); short protein forms E1558D, E490D.
Identifiers: ClinVar variation 1742347 (VCV001742347.2), dbSNP rs1254261436, ClinGen allele CA346460482.

ClinVar aggregate classification (germline): Uncertain significance (1 of 4 stars; one submission).

Conditions:
Hereditary cancer-predisposing syndrome. Also called: Hereditary Cancer Syndrome; Hereditary neoplastic syndrome; Neoplastic Syndromes, Hereditary; Tumor predisposition. Identifiers: Orphanet 140162, MedGen C0027672, MeSH D009386, MONDO:0015356.

gnomAD v4.1: 1 of 1,614,184 alleles (0.000062%); highest among the groups gnomAD compares: East Asian, 0.0022%; no homozygotes.

Submission:

Ambry Genetics
Classification: Uncertain significance for Hereditary cancer-predisposing syndrome. Last evaluated: 2024-03-08. Review status: criteria provided, single submitter. Criteria: Ambry Variant Classification Scheme 2023. Collection method: clinical testing. Allele origin: germline.
Comment: The p.E1558D variant (also known as c.4674G>C), located in coding exon 29 of the ALK gene, results from a G to C substitution at nucleotide position 4674. The glutamic acid at codon 1558 is replaced by aspartic acid, an amino acid with highly similar properties. This amino acid position is conserved. In addition, this alteration is predicted to be tolerated by in silico analysis. Since supporting evidence is limited at this time, the clinical significance of this alteration remains unclear.